The following is an entry in ClinVar:

NM_001243133.2(NLRP3):c.1121C>A (p.Ala374Asp)

Gene: NLRP3 (NLR family pyrin domain containing 3; plus strand). Cytogenetic location: 1q44.
Variant type: single nucleotide variant.
Coding change: c.1121C>A on transcript NM_001243133.2 (MANE Select); coding-DNA position 1121, C replaced by A.
Protein change: p.Ala374Asp; replaces alanine 374 with aspartic acid.
Molecular consequence: missense variant.
Genome position (GRCh38, 1-based): chr1:247,424,570, C>A. VCF-style: chr1-247424570-C-A. GRCh37 (hg19) VCF-style: chr1-247587872-C-A.
Other names: c.1127C>A (NM_004895.4); c.1121C>A, p.Ala374Asp (NM_001079821.3, NM_001127461.3, NM_001127462.3 and 1 more transcripts); c.1127C>A, p.Ala376Asp (NM_004895.5); short protein forms A376D, A374D.
Identifiers: ClinVar variation 97915 (VCV000097915.3), dbSNP rs180177437, ClinGen allele CA281141.

ClinVar aggregate classification (germline): Likely pathogenic. Review status: criteria provided, single submitter (1 of 4 stars). 2 submissions from 2 submitters: Likely pathogenic (1). 1 of the submissions does not count toward it. Last evaluated 2026-02-06.

Conditions:
Familial cold autoinflammatory syndrome 1 (FCAS1). Also called: CRYOPYRIN-ASSOCIATED PERIODIC SYNDROME 1; Familial cold inflammatory syndrome 1. Identifiers: Orphanet 47045, MedGen C4551895, MONDO:0007349, OMIM 120100.

Submissions (2):

GeneDx
Classification: Likely pathogenic. Last evaluated: 2026-02-06. Review status: criteria provided, single submitter. Criteria: GeneDx Variant Classification Process June 2021. Collection method: clinical testing. Allele origin: germline.
Comment: Also known as p.A374D (c.1121C>A); Not observed at significant frequency in large population cohorts (gnomAD); In silico analysis suggests that this missense variant does not alter protein structure/function; This variant is associated with the following publications: (PMID: 19302049, 12483741)

Unité médicale des maladies autoinflammatoires, CHRU Montpellier
No classification provided. Condition: Familial cold urticaria. Review status: no classification provided. Collection method: not provided. Allele origin: unknown. Not counted in ClinVar's aggregate classification.
Comment: also involved in OMIM 191900 and 607115